The following is an entry in ClinVar:

ClinVar aggregate classification (germline): Uncertain significance. Review status: criteria provided, multiple submitters, no conflicts (2 of 4 stars). 3 submissions from 3 submitters: Uncertain significance (3). Last evaluated 2024-08-20.

Allele frequency attached by ClinVar (database versions not stated): gnomAD 0.00002; TOPMed 0.00002; gnomAD exomes 0.00004; ExAC 0.00006.
gnomAD v4.1: 42 of 1,613,958 alleles (0.0026%); highest among the groups gnomAD compares: Non-Finnish European, 0.0035%; no homozygotes.

Submissions (3):

GeneDx
Classification: Uncertain significance. Last evaluated: 2024-08-20. Review status: criteria provided, single submitter. Criteria: GeneDx Variant Classification Process June 2021. Collection method: clinical testing. Allele origin: germline. Affected: yes.
Comment: In silico analysis indicates that this missense variant does not alter protein structure/function; Has not been previously published as pathogenic or benign to our knowledge

Blueprint Genetics
Classification: Uncertain significance. Last evaluated: 2024-08-12. Review status: criteria provided, single submitter. Criteria: ACMG Guidelines, 2015. Collection method: clinical testing. Allele origin: germline.

Labcorp Genetics (formerly Invitae), Labcorp
Classification: Uncertain significance. Last evaluated: 2023-10-03. Review status: criteria provided, single submitter. Criteria: Invitae Variant Classification Sherloc (09022015). Collection method: clinical testing. Allele origin: germline.
Comment: This sequence change replaces glycine, which is neutral and non-polar, with aspartic acid, which is acidic and polar, at codon 618 of the WHRN protein (p.Gly618Asp). This variant is present in population databases (rs200812302, gnomAD 0.009%). This variant has not been reported in the literature in individuals affected with WHRN-related conditions. ClinVar contains an entry for this variant (Variation ID: 1510791). An algorithm developed to predict the effect of missense changes on protein structure and function (PolyPhen-2) suggests that this variant is likely to be disruptive. In summary, the available evidence is currently insufficient to determine the role of this variant in disease. Therefore, it has been classified as a Variant of Uncertain Significance.

NM_015404.4(WHRN):c.1853G>A (p.Gly618Asp)

Gene: WHRN (whirlin; minus strand). Cytogenetic location: 9q32.
Variant type: single nucleotide variant.
Coding change: c.1853G>A on transcript NM_015404.4 (MANE Select); coding-DNA position 1853, G replaced by A.
Protein change: p.Gly618Asp; replaces glycine 618 with aspartic acid.
Molecular consequence: missense variant.
Genome position (GRCh38, 1-based): chr9:114,406,738, C>T on the plus strand (G>A on the coding strand, the complement: WHRN is on the minus strand). VCF-style: chr9-114406738-C-T. GRCh37 (hg19) VCF-style: chr9-117169018-C-T.
Other names: c.704G>A, p.Gly235Asp (NM_001083885.3); c.1853G>A, p.Gly618Asp (NM_001173425.2); c.800G>A, p.Gly267Asp (NM_001346890.1); c.1853G>A (NM_015404.2); short protein forms G267D, G235D, G618D.
Identifiers: ClinVar variation 1510791 (VCV001510791.10), dbSNP rs200812302, ClinGen allele CA5205799.
Genomic context (GRCh38, chr9:114,406,738, plus strand): 5'-CCTGGGGTGGGTGCGGTGCCCGCTGGCGGGCTGCGGTTCTGTGGAGCCGAGAAGACAGTG[C>T]CCGAGCAGGAAGGCATGGAGGAAGGTGGCTGGAGGTCCTCTCTCCCCAGCTTCCTTGGCT-3'
Protein context (NP_056219.3, residues 608-628): QPPSSMPSCS[Gly618Asp]TVFSAPQNRS